The following is an entry in ClinVar:

NM_005732.4(RAD50):c.3714_3728del (p.Asp1238_Ile1242del)

Genes: TH2LCRR (T helper type 2 locus control region associated RNA; minus strand), TH2-LCR (Th2 cytokine locus control region; plus strand), RAD50 (RAD50 double strand break repair protein; plus strand). Cytogenetic location: 5q31.1.
Variant type: Deletion.
Coding change: c.3714_3728del on transcript NM_005732.4 (MANE Select); coding-DNA positions 3714 to 3728, 15 bases deleted (CCGAGAAAACATTGA).
Protein change: p.Asp1238_Ile1242del.
Molecular consequence: inframe deletion.
Genome position (GRCh38, 1-based): chr5:132,640,767-132,640,781, CCGAGAAAACATTGA deleted; deleting any 15 consecutive bases within chr5:132,640,763-132,640,781 gives the same sequence; the c. name uses the placement nearest the transcript's 3' end. VCF-style (leftmost placement, unchanged base first): chr5-132640762-CTTGACCGAGAAAACA-C. GRCh37 (hg19) VCF-style: chr5-131976454-CTTGACCGAGAAAACA-C.
Identifiers: ClinVar variation 1023273 (VCV001023273.9), dbSNP rs1751701934, ClinGen allele CA1583253974.

ClinVar aggregate classification (germline): Uncertain significance (1 of 4 stars; one submission).

Conditions:
Hereditary cancer-predisposing syndrome. Also called: Hereditary Cancer Syndrome; Neoplastic Syndromes, Hereditary; Tumor predisposition; Hereditary neoplastic syndrome. Identifiers: Orphanet 140162, MedGen C0027672, MeSH D009386, MONDO:0015356.

Submission:

Labcorp Genetics (formerly Invitae), Labcorp
Classification: Uncertain significance for Hereditary cancer-predisposing syndrome. Last evaluated: 2025-05-19. Review status: criteria provided, single submitter. Criteria: Invitae Variant Classification Sherloc (09022015). Collection method: clinical testing. Allele origin: germline.
Comment: This variant, c.3714_3728del, results in the deletion of 5 amino acid(s) of the RAD50 protein (p.Asp1238_Ile1242del), but otherwise preserves the integrity of the reading frame. This variant is not present in population databases (gnomAD no frequency). This variant has not been reported in the literature in individuals affected with RAD50-related conditions. ClinVar contains an entry for this variant (Variation ID: 1023273). Experimental studies and prediction algorithms are not available or were not evaluated, and the functional significance of this variant is currently unknown. In summary, the available evidence is currently insufficient to determine the role of this variant in disease. Therefore, it has been classified as a Variant of Uncertain Significance.